The following is an entry in ClinVar:

NM_005984.5(SLC25A1):c.199A>G (p.Ile67Val)

Gene: SLC25A1 (solute carrier family 25 member 1; minus strand). Cytogenetic location: 22q11.21.
Variant type: single nucleotide variant.
Coding change: c.199A>G on transcript NM_005984.5 (MANE Select); coding-DNA position 199, A replaced by G.
Protein change: p.Ile67Val; replaces isoleucine 67 with valine.
Molecular consequence: missense variant. On other transcripts: 5 prime UTR variant (1), non-coding transcript variant (1).
Genome position (GRCh38, 1-based): chr22:19,178,136, T>C on the plus strand (A>G on the coding strand, the complement: SLC25A1 is on the minus strand). VCF-style: chr22-19178136-T-C. GRCh37 (hg19) VCF-style: chr22-19165649-T-C.
Other names: c.220A>G, p.Ile74Val (NM_001256534.2); c.-111A>G (NM_001287387.2); short protein forms I74V, I67V.
Identifiers: ClinVar variation 1503770 (VCV001503770.3), dbSNP rs1555923258, ClinGen allele CA410642422.

ClinVar aggregate classification (germline): Uncertain significance (1 of 4 stars; one submission).

Allele frequency attached by ClinVar (database versions not stated): TOPMed below 0.00001; gnomAD exomes 0.00001.
gnomAD v4.1: 18 of 1,543,714 alleles (0.0012%); highest among the groups gnomAD compares: Non-Finnish European, 0.0011%; no homozygotes.

Submission:

Labcorp Genetics (formerly Invitae), Labcorp
Classification: Uncertain significance. Last evaluated: 2021-12-02. Review status: criteria provided, single submitter. Criteria: Invitae Variant Classification Sherloc (09022015). Collection method: clinical testing. Allele origin: germline.
Comment: This sequence change replaces isoleucine, which is neutral and non-polar, with valine, which is neutral and non-polar, at codon 67 of the SLC25A1 protein (p.Ile67Val). The frequency data for this variant in the population databases is considered unreliable, as metrics indicate poor data quality at this position in the gnomAD database. This variant has not been reported in the literature in individuals affected with SLC25A1-related conditions. Algorithms developed to predict the effect of missense changes on protein structure and function (SIFT, PolyPhen-2, Align-GVGD) all suggest that this variant is likely to be tolerated. In summary, the available evidence is currently insufficient to determine the role of this variant in disease. Therefore, it has been classified as a Variant of Uncertain Significance.